The following is an entry in ClinVar:

ClinVar aggregate classification (germline): Uncertain significance (1 of 4 stars; one submission).

Submission:

Labcorp Genetics (formerly Invitae), Labcorp
Classification: Uncertain significance. Last evaluated: 2021-08-03. Review status: criteria provided, single submitter. Criteria: Invitae Variant Classification Sherloc (09022015). Collection method: clinical testing. Allele origin: germline.
Comment: This variant has not been reported in the literature in individuals affected with LIPG-related conditions. Algorithms developed to predict the effect of missense changes on protein structure and function are either unavailable or do not agree on the potential impact of this missense change (SIFT: "Tolerated"; PolyPhen-2: "Possibly Damaging"; Align-GVGD: "Class C0"). In summary, the available evidence is currently insufficient to determine the role of this variant in disease. Therefore, it has been classified as a Variant of Uncertain Significance. This variant is not present in population databases (ExAC no frequency). This sequence change replaces valine with isoleucine at codon 119 of the LIPG protein (p.Val119Ile). The valine residue is highly conserved and there is a small physicochemical difference between valine and isoleucine.

NM_006033.4(LIPG):c.355G>A (p.Val119Ile)

Gene: LIPG (lipase G, endothelial type; plus strand). Cytogenetic location: 18q21.1.
Variant type: single nucleotide variant.
Coding change: c.355G>A on transcript NM_006033.4 (MANE Select); coding-DNA position 355, G replaced by A.
Protein change: p.Val119Ile; replaces valine 119 with isoleucine.
Molecular consequence: missense variant.
Genome position (GRCh38, 1-based): chr18:49,567,517, G>A. VCF-style: chr18-49567517-G-A. GRCh37 (hg19) VCF-style: chr18-47093887-G-A.
Other names: c.355G>A, p.Val119Ile (NM_001308006.2); short protein forms V119I.
Identifiers: ClinVar variation 1473718 (VCV001473718.6), dbSNP rs2148847897, ClinGen allele CA402418539.